The following is an entry in ClinVar:

NM_133433.4(NIPBL):c.2673C>T (p.Asp891=)

Gene: NIPBL (NIPBL cohesin loading factor; plus strand). Cytogenetic location: 5p13.2.
Variant type: single nucleotide variant.
Coding change: c.2673C>T on transcript NM_133433.4 (MANE Select); coding-DNA position 2673, C replaced by T.
Protein change: p.Asp891=; no amino-acid change (aspartic acid 891 retained).
Molecular consequence: synonymous variant.
Genome position (GRCh38, 1-based): chr5:36,985,853, C>T. VCF-style: chr5-36985853-C-T. GRCh37 (hg19) VCF-style: chr5-36985955-C-T.
Other names: c.2673C>T, p.Asp891= (NM_015384.5).
Identifiers: ClinVar variation 159061 (VCV000159061.16), dbSNP rs376637245, ClinGen allele CA172672.

ClinVar aggregate classification (germline): Likely benign. Review status: criteria provided, multiple submitters, no conflicts (2 of 4 stars). 4 submissions from 4 submitters: Likely benign (4). Last evaluated 2025-11-19.

Conditions:
Inborn genetic diseases. Identifiers: MedGen C0950123, MeSH D030342.
Cornelia de Lange syndrome 1 (CDLS1). Also called: Brachmann de Lange syndrome; NIPBL-Related Cornelia de Lange Syndrome; TYPUS DEGENERATIVUS AMSTELODAMENSIS. Identifiers: Orphanet 199, MedGen C4551851, MONDO:0007387, OMIM 122470.

Allele frequency attached by ClinVar (database versions not stated): ExAC 0.00002; gnomAD exomes 0.00002 and 0.00003; ESP Exome Variant Server 0.00008; TOPMed 0.00013; gnomAD 0.00015 and 0.00016.
gnomAD v4.1: 53 of 1,613,718 alleles (0.0033%); highest among the groups gnomAD compares: African/African-American, 0.044%; no homozygotes.

Submissions (4):

Labcorp Genetics (formerly Invitae), Labcorp
Classification: Likely benign for Cornelia de Lange syndrome 1. Last evaluated: 2025-11-19. Review status: criteria provided, single submitter. Criteria: Invitae Variant Classification Sherloc (09022015). Collection method: clinical testing. Allele origin: germline.

Illumina Laboratory Services, Illumina
Classification: Likely benign for Cornelia de Lange syndrome 1. Last evaluated: 2018-01-12. Review status: criteria provided, single submitter. Criteria: ICSL Variant Classification Criteria 13 December 2019. Collection method: clinical testing. Allele origin: germline.
Comment: This variant was observed in the ICSL laboratory as part of a predisposition screen in an ostensibly healthy population. It had not been previously curated by ICSL or reported in the Human Gene Mutation Database (HGMD: prior to June 1st, 2018), and was therefore a candidate for classification through an automated scoring system. Utilizing variant allele frequency, disease prevalence and penetrance estimates, and inheritance mode, an automated score was calculated to assess if this variant is too frequent to cause the disease. Based on the score and internal cut-off values, a variant classified as likely benign is not then subjected to further curation. The score for this variant resulted in a classification of likely benign for this disease.

Ambry Genetics
Classification: Likely benign for Inborn genetic diseases. Last evaluated: 2016-05-11. Review status: criteria provided, single submitter. Criteria: Ambry Variant Classification Scheme 2023. Collection method: clinical testing. Allele origin: germline.

Genetic Services Laboratory, University of Chicago
Classification: Likely benign. Last evaluated: 2013-02-08. Review status: criteria provided, single submitter. Criteria: ACMG Guidelines, 2007. Collection method: clinical testing. Allele origin: germline. Inheritance: Autosomal dominant inheritance.